The following is an entry in ClinVar:

NM_007294.4(BRCA1):c.4989G>A (p.Met1663Ile)

Gene: BRCA1 (BRCA1 DNA repair associated; minus strand). Cytogenetic location: 17q21.31.
Variant type: single nucleotide variant.
Coding change: c.4989G>A on transcript NM_007294.4 (MANE Select); coding-DNA position 4989, G replaced by A.
Protein change: p.Met1663Ile; replaces methionine 1663 with isoleucine.
Molecular consequence: missense variant. On other transcripts: non-coding transcript variant (1).
Genome position (GRCh38, 1-based): chr17:43,067,693, C>T on the plus strand (G>A on the coding strand, the complement: BRCA1 is on the minus strand). VCF-style: chr17-43067693-C-T. GRCh37 (hg19) VCF-style: chr17-41219710-C-T.
Other names: c.4776G>A, p.Met1592Ile (NM_001407571.1, NM_001407894.1, NM_001407895.1 and 12 more transcripts); c.5055G>A, p.Met1685Ile (NM_001407581.1, NM_001407582.1); c.5052G>A, p.Met1684Ile (NM_001407583.1, NM_001407585.1, NM_001407587.1 and 1 more transcripts); c.5049G>A, p.Met1683Ile (NM_001407590.1, NM_001407591.1); c.4989G>A, p.Met1663Ile (NM_001407593.1, NM_001407594.1, NM_001407596.1 and 8 more transcripts); c.4986G>A, p.Met1662Ile (NM_001407610.1, NM_001407611.1, NM_001407622.1 and 17 more transcripts); c.4983G>A, p.Met1661Ile (NM_001407627.1, NM_001407628.1, NM_001407629.1 and 14 more transcripts); c.4980G>A, p.Met1660Ile (NM_001407644.1, NM_001407645.1); and 70 more; short protein forms M1663I, M559I, M1684I, M1616I, M1509I, M1535I, M1552I, M1574I.
Identifiers: ClinVar variation 868097 (VCV000868097.3), dbSNP rs748807039, ClinGen allele CA10591540.

Conditions:
Breast-ovarian cancer, familial, susceptibility to, 1 (BROVCA1). Also called: BRCA1 Hereditary Breast and Ovarian Cancer; OVARIAN CANCER, SUSCEPTIBILITY TO. Identifiers: Orphanet 145, MedGen C2676676, MONDO:0011450, OMIM 604370. Disease mechanism: loss of function.

Submission:

Brotman Baty Institute, University of Washington
No classification provided (evidence only). Condition: Breast-ovarian cancer, familial 1. Review status: no classification provided. Collection method: in vitro. Allele origin: not applicable. Functional consequence: function_uncertain_variant.
ClinVar note: "not provided" was previously submitted as the classification for the variant. However, the classification appeared to be based only on an observation of functional data so it was converted to no classification on 2025-07-30.